The following is an entry in ClinVar:

NM_032211.7(LOXL4):c.460C>T (p.Arg154Trp)

Gene: LOXL4 (lysyl oxidase like 4; minus strand). Cytogenetic location: 10q24.2.
Variant type: single nucleotide variant.
Coding change: c.460C>T on transcript NM_032211.7 (MANE Select); coding-DNA position 460, C replaced by T.
Protein change: p.Arg154Trp; replaces arginine 154 with tryptophan.
Molecular consequence: missense variant.
Genome position (GRCh38, 1-based): chr10:98,261,124, G>A on the plus strand (C>T on the coding strand, the complement: LOXL4 is on the minus strand). VCF-style: chr10-98261124-G-A. GRCh37 (hg19) VCF-style: chr10-100020881-G-A.
Other names: c.460C>T (NM_032211.6); short protein forms R154W.
Identifiers: ClinVar variation 2640742 (VCV002640742.25), dbSNP rs2496084676, ClinGen allele CA378013468.

ClinVar aggregate classification (germline): Uncertain significance. Review status: criteria provided, multiple submitters, no conflicts (2 of 4 stars). 2 submissions from 2 submitters: Uncertain significance (2). Last evaluated 2025-08-23.

Allele frequency attached by ClinVar (database versions not stated): gnomAD exomes 0.00001.

Submissions (2):

Ambry Genetics
Classification: Uncertain significance. Last evaluated: 2025-08-23. Review status: criteria provided, single submitter. Criteria: Ambry Variant Classification Scheme 2023. Collection method: clinical testing. Allele origin: germline.

CeGaT Center for Human Genetics Tuebingen
Classification: Uncertain significance. Last evaluated: 2023-02-01. Review status: criteria provided, single submitter. Criteria: CeGaT Center For Human Genetics Tuebingen Variant Classification Criteria Version 2. Collection method: clinical testing. Allele origin: germline. Affected: yes. Observed: 1 variant allele.
Comment: LOXL4: PM2, BP4